The following is an entry in ClinVar:

NM_000203.5(IDUA):c.237dup (p.Val80fs)

Genes: IDUA (alpha-L-iduronidase; plus strand), SLC26A1 (solute carrier family 26 member 1; minus strand). Cytogenetic location: 4p16.3.
Variant type: Duplication.
Coding change: c.237dup on transcript NM_000203.5 (MANE Select); coding-DNA position 237, one base duplicated (C; older notation c.237dupC).
Protein change: p.Val80fs; shifts the reading frame from valine 80.
Molecular consequence: frameshift variant. On other transcripts: 3 prime UTR variant (2), non-coding transcript variant (1), intron variant (1).
Genome position (GRCh38, 1-based): chr4:987,887, C duplicated; the last of 2 consecutive C bases (chr4:987,886-987,887); duplicating either gives the same sequence. VCF-style (leftmost placement, unchanged base first): chr4-987885-G-GC. GRCh37 (hg19) VCF-style: chr4-981673-G-GC.
Other names: c.*947dup (NM_022042.4, NM_213613.4); c.576+3242dup (NM_134425.4); short protein forms V80fs.
Identifiers: ClinVar variation 5012217 (VCV005012217.1).
Genomic context (GRCh38, chr4:987,885, plus strand): 5'-AGCCAGGCTGACCAGTACGTCCTCAGCTGGGACCAGCAGCTCAACCTCGCCTATGTGGGC[G>GC]CCGTCCCTCACCGCGGCATCAAGCAGGTCCGGACCCACTGGCTGCTGGAGCTTGTCACCA-3'

ClinVar aggregate classification (germline): Pathogenic (1 of 4 stars; one submission).

Conditions:
Mucopolysaccharidosis type 1. Also called: IDUA deficiency; MPS I; Mucopolysaccharidosis Type I. Identifiers: Orphanet 579, MedGen C0023786, MONDO:0001586.

Submission:

Myriad Genetics, Inc.
Classification: Pathogenic for Mucopolysaccharidosis type 1. Last evaluated: 2023-09-27. Review status: criteria provided, single submitter. Criteria: Myriad Autosomal Dominant, Autosomal Recessive and X-Linked Classification Criteria (2023). Collection method: clinical testing. Allele origin: unknown.
Comment: NM_000203.3(IDUA):c.237dupC(V80Rfs*52) is expected to be pathogenic in the context of mucopolysaccharidosis type I. This variant is predicted to lead to an abnormal or absent protein product due to the creation of a premature termination codon in IDUA, a gene where loss-of-function variants are known to be pathogenic. Please note: this variant was assessed in the context of healthy population screening.